The following is an entry in ClinVar:

ClinVar aggregate classification (germline): Uncertain significance (1 of 4 stars; one submission).

Conditions:
Familial isolated arrhythmogenic right ventricular dysplasia. Identifiers: Orphanet 217656, MedGen C4274968, MONDO:0016342.

Submission:

All of Us Research Program, National Institutes of Health
Classification: Uncertain significance for Familial isolated arrhythmogenic right ventricular dysplasia. Last evaluated: 2024-02-22. Review status: criteria provided, single submitter. Criteria: ACMG Guidelines, 2015. Collection method: clinical testing. Allele origin: germline. Inheritance: Autosomal dominant inheritance. Observed: 1 variant allele, 1 heterozygote.
Comment: This missense variant replaces asparagine with lysine at codon 100 of the DSC2 protein. Computational prediction suggests that this variant may not impact protein structure and function (internally defined REVEL score threshold <= 0.5, PMID: 27666373). To our knowledge, functional studies have not been reported for this variant. This variant has not been reported in individuals affected with DSC2-related disorders in the literature. This variant has not been identified in the general population by the Genome Aggregation Database (gnomAD). The available evidence is insufficient to determine the role of this variant in disease conclusively. Therefore, this variant is classified as a Variant of Uncertain Significance.

This study involves interpretation of variants in research participants for the purpose of population health screening. Participant phenotype was not available at the time of variant classification. Additional details can be found in publication PMID: 35346344, PMCID: PMC8962531

NM_024422.6(DSC2):c.300C>A (p.Asn100Lys)

Gene: DSC2 (desmocollin 2; minus strand). Cytogenetic location: 18q12.1.
Variant type: single nucleotide variant.
Coding change: c.300C>A on transcript NM_024422.6 (MANE Select); coding-DNA position 300, C replaced by A.
Protein change: p.Asn100Lys; replaces asparagine 100 with lysine.
Molecular consequence: missense variant. On other transcripts: 5 prime UTR variant (2).
Genome position (GRCh38, 1-based): chr18:31,092,155, G>T on the plus strand (C>A on the coding strand, the complement: DSC2 is on the minus strand). VCF-style: chr18-31092155-G-T. GRCh37 (hg19) VCF-style: chr18-28672118-G-T.
Other names: c.-130C>A (NM_001406506.1, NM_001406507.1); c.300C>A, p.Asn100Lys (NM_004949.5); short protein forms N100K.
Identifiers: ClinVar variation 3386555 (VCV003386555.1).